The following is an entry in ClinVar:

NM_001399.5(EDA):c.641T>A (p.Met214Lys)

Gene: EDA (ectodysplasin A; plus strand). Cytogenetic location: Xq13.1.
Variant type: single nucleotide variant.
Coding change: c.641T>A on transcript NM_001399.5 (MANE Select); coding-DNA position 641, T replaced by A.
Protein change: p.Met214Lys; replaces methionine 214 with lysine.
Molecular consequence: missense variant.
Genome position (GRCh38, 1-based): chrX:70,027,971, T>A. VCF-style: chrX-70027971-T-A. GRCh37 (hg19) VCF-style: chrX-69247821-T-A.
Other names: c.641T>A, p.Met214Lys (NM_001005609.2, NM_001005612.3); short protein forms M214K.
Identifiers: ClinVar variation 578341 (VCV000578341.10), dbSNP rs1569404950, ClinGen allele CA413448404.

ClinVar aggregate classification (germline): Likely pathogenic (1 of 4 stars; one submission).

Conditions:
Hypohidrotic X-linked ectodermal dysplasia (XHED). Also called: Christ-Siemans-Touraine syndrome; Anhidrotic ectodermal dysplasia X-linked; Christ Siemens Touraine syndrome; ECTODERMAL DYSPLASIA 1, HYPOHIDROTIC, X-LINKED; ECTODERMAL DYSPLASIA 1, HYPOHIDROTIC/HAIR/TOOTH TYPE, X-LINKED; ECTODERMAL DYSPLASIA 1. Identifiers: Orphanet 181, Orphanet 238468, MedGen C0162359, MONDO:0010585, OMIM 305100.

Submission:

Labcorp Genetics (formerly Invitae), Labcorp
Classification: Likely pathogenic for Hypohidrotic X-linked ectodermal dysplasia. Last evaluated: 2019-10-23. Review status: criteria provided, single submitter. Criteria: Invitae Variant Classification Sherloc (09022015). Collection method: clinical testing. Allele origin: germline.
Comment: This sequence change replaces methionine with lysine at codon 214 of the EDA protein (p.Met214Lys). The methionine residue is highly conserved and there is a moderate physicochemical difference between methionine and lysine. This variant is not present in population databases (ExAC no frequency). This variant has been observed to segregate with ectodermal dysplasia in a family (Invitae). Algorithms developed to predict the effect of missense changes on protein structure and function (SIFT, PolyPhen-2, Align-GVGD) all suggest that this variant is likely to be disruptive, but these predictions have not been confirmed by published functional studies and their clinical significance is uncertain. In summary, the currently available evidence indicates that the variant is pathogenic, but additional data are needed to prove that conclusively. Therefore, this variant has been classified as Likely Pathogenic.